The following is an entry in ClinVar:

ClinVar aggregate classification (germline): Likely pathogenic. Review status: criteria provided, multiple submitters, no conflicts (2 of 4 stars). 3 submissions from 3 submitters: Likely pathogenic (3). Last evaluated 2026-01-07.

Conditions:
SCN4A-related disorder. Also called: SCN4A-related disorders.
Hyperkalemic periodic paralysis. Also called: Gamstorp disease; Familial hyperkalemic periodic paralysis. Identifiers: Orphanet 682, MedGen C0238357, MONDO:0008224, OMIM 170500, HP:0007215.

Submissions (3):

Labcorp Genetics (formerly Invitae), Labcorp
Classification: Likely pathogenic for Hyperkalemic periodic paralysis. Last evaluated: 2026-01-07. Review status: criteria provided, single submitter. Criteria: Invitae Variant Classification Sherloc (09022015). Collection method: clinical testing. Allele origin: germline.
Comment: This sequence change replaces proline, which is neutral and non-polar, with leucine, which is neutral and non-polar, at codon 1158 of the SCN4A protein (p.Pro1158Leu). This variant is not present in population databases (gnomAD no frequency). This missense change has been observed in individuals with myotonia permanens (PMID: 27164696). ClinVar contains an entry for this variant (Variation ID: 448275). Invitae Evidence Modeling of protein sequence and biophysical properties (such as structural, functional, and spatial information, amino acid conservation, physicochemical variation, residue mobility, and thermodynamic stability) indicates that this missense variant is expected to disrupt SCN4A protein function with a positive predictive value of 80%. Experimental studies have shown that this missense change affects SCN4A function (PMID: 27164696). This variant disrupts the p.Pro1158 amino acid residue in SCN4A. Other variant(s) that disrupt this residue have been determined to be pathogenic (PMID: 10851391, 21221019). This suggests that this residue is clinically significant, and that variants that disrupt this residue are likely to be disease-causing. In summary, the currently available evidence indicates that the variant is pathogenic, but additional data are needed to prove that conclusively. Therefore, this variant has been classified as Likely Pathogenic.

Blueprint Genetics
Classification: Likely pathogenic for SCN4A-related disorders. Last evaluated: 2023-06-09. Review status: criteria provided, single submitter. Criteria: ACMG Guidelines, 2015. Collection method: clinical testing. Allele origin: germline. Affected: yes. Observed: 1 variant allele.

Athena Diagnostics
Classification: Likely pathogenic. Last evaluated: 2017-04-20. Review status: criteria provided, single submitter. Criteria: Athena Diagnostics Criteria. Collection method: clinical testing. Allele origin: germline.

Literature cited by the submitters: PubMed 27164696 (cited by Labcorp Genetics (formerly Invitae), Labcorp and Athena Diagnostics); PubMed 10851391 (cited by Labcorp Genetics (formerly Invitae), Labcorp); PubMed 21221019 (cited by Labcorp Genetics (formerly Invitae), Labcorp); PubMed 27415035 (cited by Athena Diagnostics).

NM_000334.4(SCN4A):c.3473C>T (p.Pro1158Leu)

Genes: GH-LCR (growth hormone locus control region; plus strand), SCN4A (sodium voltage-gated channel alpha subunit 4; minus strand). Cytogenetic location: 17q23.3.
Variant type: single nucleotide variant.
Coding change: c.3473C>T on transcript NM_000334.4 (MANE Select); coding-DNA position 3473, C replaced by T.
Protein change: p.Pro1158Leu; replaces proline 1158 with leucine.
Molecular consequence: missense variant.
Genome position (GRCh38, 1-based): chr17:63,945,607, G>A on the plus strand (C>T on the coding strand, the complement: SCN4A is on the minus strand). VCF-style: chr17-63945607-G-A. GRCh37 (hg19) VCF-style: chr17-62022967-G-A.
Other names: short protein forms P1158L.
Identifiers: ClinVar variation 448275 (VCV000448275.10), dbSNP rs1555601448, ClinGen allele CA400618699.